The following is an entry in ClinVar:

NM_144508.5(KNL1):c.2425_2427del (p.Gly809del)

Gene: KNL1 (kinetochore scaffold 1; plus strand). Cytogenetic location: 15q15.1.
Variant type: Deletion.
Coding change: c.2425_2427del on transcript NM_144508.5 (MANE Select); coding-DNA positions 2425 to 2427, 3 bases deleted (GGT; older notation c.2425_2427delGGT).
Protein change: p.Gly809del; deletes glycine 809.
Molecular consequence: inframe deletion.
Genome position (GRCh38, 1-based): chr15:40,622,689-40,622,691, GGT deleted; deleting any 3 consecutive bases within chr15:40,622,687-40,622,691 gives the same sequence; the c. name uses the placement nearest the transcript's 3' end. VCF-style (leftmost placement, unchanged base first): chr15-40622686-TGTG-T. GRCh37 (hg19) VCF-style: chr15-40914884-TGTG-T.
Other names: c.2503_2505del, p.Gly835del (NM_170589.5); c.2503_2505delGGT (NM_170589.4); short protein forms G809del, G835del.
Identifiers: ClinVar variation 1308138 (VCV001308138.4), dbSNP rs761320880, ClinGen allele CA7482857.
Genomic context (GRCh38, chr15:40,622,686, plus strand): 5'-GAACACACTACTGGCCAGCTAACAACAATGAACAGACAGATAGCTGTAAAAGTTGAAAAA[TGTG>T]GTAAAAGTCCCATAGAAAAAAGTGGAGTGCTTAAATCTAACTGTATTATGGATGTGTTAG-3'

ClinVar aggregate classification (germline): Uncertain significance. Review status: criteria provided, single submitter (1 of 4 stars). 2 submissions from 2 submitters: Uncertain significance (1). 1 of the submissions does not count toward it. Last evaluated 2020-05-12.

Conditions:
KNL1-related disorder. Also called: KNL1-related condition.

Submissions (2):

GeneDx
Classification: Uncertain significance. Last evaluated: 2020-05-12. Review status: criteria provided, single submitter. Criteria: GeneDx Variant Classification Process June 2021. Collection method: clinical testing. Allele origin: germline. Affected: yes.
Comment: In-frame deletion of one amino acid in a non-repeat region; In silico analysis, which includes protein predictors and evolutionary conservation, supports a deleterious effect; Has not been previously published as pathogenic or benign to our knowledge

PreventionGenetics, part of Exact Sciences
Classification: Likely benign for KNL1-related condition. Last evaluated: 2019-08-20. Review status: no assertion criteria provided. Collection method: clinical testing. Allele origin: germline. Not counted in ClinVar's aggregate classification.
Comment: This variant is classified as likely benign based on ACMG/AMP sequence variant interpretation guidelines (Richards et al. 2015 PMID: 25741868, with internal and published modifications).